The following is an entry in ClinVar:

ClinVar aggregate classification (germline): other (0 of 4 stars; one submission).

Conditions:
Familial colorectal cancer. Identifiers: MedGen CN280943, MONDO:0023113. Disease mechanism: loss of function.

Allele frequency attached by ClinVar (database versions not stated): gnomAD 0.05285 and 0.05323; TOPMed 0.05918; 1000 Genomes Project 30x 0.07870; 1000 Genomes Project 0.08007.
gnomAD v4.1: 8,004 of 151,988 alleles (5.3%); highest among the groups gnomAD compares: East Asian, 13%; 402 homozygotes.

Submission:

Systems Biology Platform Zhejiang California International NanoSystems Institute
Classification: other for Familial colorectal cancer. Review status: no assertion criteria provided. Collection method: not provided. Allele origin: unknown.
ClinVar note: Converted during submission from cancer to other.

NM_000038.6(APC):c.834+1109G>A

Gene: APC (APC regulator of WNT signaling pathway; plus strand). Cytogenetic location: 5q22.2.
Variant type: single nucleotide variant.
Coding change: c.834+1109G>A on transcript NM_000038.6 (MANE Select); 1109 bases into the intron after coding-DNA position 834, G replaced by A.
Molecular consequence: intron variant.
Genome position (GRCh38, 1-based): chr5:112,802,492, G>A. VCF-style: chr5-112802492-G-A. GRCh37 (hg19) VCF-style: chr5-112138189-G-A.
Other names: c.834+1109G>A (NM_001354895.2, NM_001127510.3, NM_001354896.2 and 1 more transcripts); c.864+1109G>A (NM_001354897.2, NM_001354902.2); c.780+1109G>A (NM_001127511.3); c.759+1109G>A (NM_001354898.2, NM_001354904.2); c.-202+1109G>A (NM_001354906.2); c.750+1109G>A (NM_001354899.2); c.657+1109G>A (NM_001354900.2, NM_001354901.2, NM_001354905.2).
Identifiers: ClinVar variation 83044 (VCV000083044.2), dbSNP rs77862570, ClinGen allele CA014578.